The following is an entry in ClinVar:

NM_206933.4(USH2A):c.15302T>G (p.Leu5101Ter)

Gene: USH2A (usherin; minus strand). Cytogenetic location: 1q41.
Variant type: single nucleotide variant.
Coding change: c.15302T>G on transcript NM_206933.4 (MANE Select); coding-DNA position 15302, T replaced by G.
Protein change: p.Leu5101Ter; replaces leucine 5101 with a stop codon.
Molecular consequence: nonsense.
Genome position (GRCh38, 1-based): chr1:215,629,031, A>C on the plus strand (T>G on the coding strand, the complement: USH2A is on the minus strand). VCF-style: chr1-215629031-A-C. GRCh37 (hg19) VCF-style: chr1-215802373-A-C.
Other names: short protein forms L5101*.
Identifiers: ClinVar variation 4530696 (VCV004530696.1).

ClinVar aggregate classification (germline): Pathogenic (1 of 4 stars; one submission).

Conditions:
Monogenic hearing loss.

Submission:

Genetics Laboratory, Great Ormond Street Hospital NHS Foundation Trust, North Thames Genomic Laboratory Hub
Classification: Pathogenic for Monogenic hearing loss. Last evaluated: 2025-09-26. Review status: criteria provided, single submitter. Criteria: ACGS Best Practice Guidelines for Variant Classification in Rare Disease 2024 v1.2. Collection method: clinical testing. Allele origin: germline. Affected: yes.
Comment: PM2_moderate, PVS1_very-strong